The following is an entry in ClinVar:

ClinVar aggregate classification (germline): Benign. Review status: criteria provided, multiple submitters, no conflicts (2 of 4 stars). 3 submissions from 3 submitters: Benign (3). Last evaluated 2024-07-31.

Allele frequency attached by ClinVar (database versions not stated): 1000 Genomes Project 0.20687; 1000 Genomes Project 30x 0.20924; gnomAD exomes 0.21359; gnomAD 0.22821 and 0.23201; TOPMed 0.23615.
gnomAD v4.1: 281,454 of 1,305,770 alleles (22%); highest among the groups gnomAD compares: Middle Eastern, 30%; 32,264 homozygotes.

Submissions (3):

Unidad de Genómica Garrahan, Hospital de Pediatría Garrahan
Classification: Benign. Last evaluated: 2024-07-31. Review status: criteria provided, single submitter. Criteria: ACMG Guidelines, 2015. Collection method: clinical testing. Allele origin: germline. Affected: no. Observed: 35 variant alleles.
Comment: This variant is classified as Benign based on local population frequency. This variant was detected in 38% of patients studied in a panel designed for Epileptic and Developmental Encephalopathy, Progressive Myoclonus Epilepsy and Abnormal Movements and Neurodegeneration with brain iron accumulation. Number of patients: 35. Only high quality variants are reported.

GeneDx
Classification: Benign. Last evaluated: 2018-06-14. Review status: criteria provided, single submitter. Criteria: GeneDx Variant Classification (06012015). Collection method: clinical testing. Allele origin: germline. Affected: yes.
Comment: This variant is considered likely benign or benign based on one or more of the following criteria: it is a conservative change, it occurs at a poorly conserved position in the protein, it is predicted to be benign by multiple in silico algorithms, and/or has population frequency not consistent with disease.

Breakthrough Genomics
Classification: Benign. Review status: criteria provided, single submitter. Criteria: ACMG Guidelines, 2015. Collection method: not provided. Allele origin: germline. Inheritance: Autosomal dominant inheritance. Affected: yes.

NM_020822.3(KCNT1):c.1337+81G>A

Gene: KCNT1 (potassium sodium-activated channel subfamily T member 1; plus strand). Cytogenetic location: 9q34.3.
Variant type: single nucleotide variant.
Coding change: c.1337+81G>A on transcript NM_020822.3 (MANE Select); 81 bases into the intron after coding-DNA position 1337, G replaced by A.
Molecular consequence: intron variant.
Genome position (GRCh38, 1-based): chr9:135,765,841, G>A. VCF-style: chr9-135765841-G-A. GRCh37 (hg19) VCF-style: chr9-138657687-G-A.
Other names: c.1202+81G>A (NM_001272003.2).
Identifiers: ClinVar variation 682123 (VCV000682123.4), dbSNP rs10120407, ClinGen allele CA13003883.